The following is an entry in ClinVar:

ClinVar aggregate classification (germline): Uncertain significance. Review status: criteria provided, multiple submitters, no conflicts (2 of 4 stars). 2 submissions from 2 submitters: Uncertain significance (2). Last evaluated 2025-08-18.

Conditions:
Familial cancer of breast. Also called: BREAST CANCER, FAMILIAL; Hereditary breast cancer; hereditary breast carcinoma. Identifiers: Orphanet 227535, MedGen C0346153, MONDO:0016419, OMIM 114480. Disease mechanism: loss of function.

Allele frequency attached by ClinVar (database versions not stated): TOPMed below 0.00001; gnomAD 0.00001.
gnomAD v4.1: 1 of 1,612,314 alleles (0.000062%); highest among the groups gnomAD compares: African/African-American, 0.0013%; no homozygotes.

Submissions (2):

Labcorp Genetics (formerly Invitae), Labcorp
Classification: Uncertain significance for Familial cancer of breast. Last evaluated: 2025-08-18. Review status: criteria provided, single submitter. Criteria: Invitae Variant Classification Sherloc (09022015). Collection method: clinical testing. Allele origin: germline.
Comment: This sequence change replaces methionine, which is neutral and non-polar, with isoleucine, which is neutral and non-polar, at codon 304 of the CHEK2 protein (p.Met304Ile). This variant is present in population databases (no rsID available, gnomAD 0.1%). This variant has not been reported in the literature in individuals affected with CHEK2-related conditions. ClinVar contains an entry for this variant (Variation ID: 530181). An algorithm developed to predict the effect of missense changes on protein structure and function (PolyPhen-2) suggests that this variant is likely to be tolerated. In summary, the available evidence is currently insufficient to determine the role of this variant in disease. Therefore, it has been classified as a Variant of Uncertain Significance.

GeneDx
Classification: Uncertain significance. Last evaluated: 2020-03-17. Review status: criteria provided, single submitter. Criteria: GeneDx Variant Classification Process June 2021. Collection method: clinical testing. Allele origin: germline. Affected: yes.
Comment: Not observed at a significant frequency in large population cohorts (Lek 2016); In silico analysis supports that this missense variant does not alter protein structure/function; Has not been previously published as pathogenic or benign to our knowledge

NM_007194.4(CHEK2):c.912G>A (p.Met304Ile)

Gene: CHEK2 (checkpoint kinase 2; minus strand). Cytogenetic location: 22q12.1.
Variant type: single nucleotide variant.
Coding change: c.912G>A on transcript NM_007194.4 (MANE Select); coding-DNA position 912, G replaced by A.
Protein change: p.Met304Ile; replaces methionine 304 with isoleucine.
Molecular consequence: missense variant.
Genome position (GRCh38, 1-based): chr22:28,699,934, C>T on the plus strand (G>A on the coding strand, the complement: CHEK2 is on the minus strand). VCF-style: chr22-28699934-C-T. GRCh37 (hg19) VCF-style: chr22-29095922-C-T.
Other names: c.1041G>A, p.Met347Ile (NM_001005735.3); c.249G>A, p.Met83Ile (NM_001257387.3); c.711G>A, p.Met237Ile (NM_001349956.3); c.912G>A, p.Met304Ile (NM_145862.3); short protein forms M304I, M237I, M83I, M347I.
Identifiers: ClinVar variation 530181 (VCV000530181.13), dbSNP rs1156943614, ClinGen allele CA411100198.
Genomic context (GRCh38, chr22:28,699,934, plus strand): 5'-GCAGGTAGCTTCTTTCAGGCGTTTATTCCCCACCACTTTGTCAAACAGCTCTCCCCCTTC[C>T]ATCCTGAAACACAAAGGCAAGGCAAGGGGTTCATTCCTGGGGGAAAACGCACTTGGACAG-3'
Protein context (NP_009125.1, residues 294-314): AEDYYIVLEL[Met304Ile]EGGELFDKVV